The following is an entry in ClinVar:

ClinVar aggregate classification (germline): Uncertain significance (1 of 4 stars; one submission).

Submission:

GeneDx
Classification: Uncertain significance. Last evaluated: 2019-10-30. Review status: criteria provided, single submitter. Criteria: GeneDx Variant Classification Process June 2021. Collection method: clinical testing. Allele origin: germline. Affected: yes.
Comment: Not observed in large population cohorts (Lek et al., 2016); Nonsense variant predicted to result in protein truncation, although loss-of-function variants have not been reported downstream of this position in the protein; Has not been previously published as pathogenic or benign to our knowledge

NM_001303256.3(MORC2):c.2986A>T (p.Lys996Ter)

Gene: MORC2 (MORC family CW-type zinc finger 2; minus strand). Cytogenetic location: 22q12.2.
Variant type: single nucleotide variant.
Coding change: c.2986A>T on transcript NM_001303256.3 (MANE Select); coding-DNA position 2986, A replaced by T.
Protein change: p.Lys996Ter; replaces lysine 996 with a stop codon.
Molecular consequence: nonsense.
Genome position (GRCh38, 1-based): chr22:30,928,063, T>A on the plus strand (A>T on the coding strand, the complement: MORC2 is on the minus strand). VCF-style: chr22-30928063-T-A. GRCh37 (hg19) VCF-style: chr22-31324050-T-A.
Other names: c.2986A>T, p.Lys996Ter (NM_001303257.2); c.2800A>T, p.Lys934Ter (NM_014941.3); short protein forms K934*, K996*.
Identifiers: ClinVar variation 1315850 (VCV001315850.2), dbSNP rs2147229264, ClinGen allele CA411229706.